The following is an entry in ClinVar:

ClinVar aggregate classification (germline): Uncertain significance (1 of 4 stars; one submission).

Conditions:
Ataxia-telangiectasia syndrome (AT). Also called: LOUIS-BAR SYNDROME; Cerebello-oculocutaneous telangiectasia; Immunodeficiency with ataxia telangiectasia; Ataxia telangiectasia (A-T); Ataxia-telangiectasia, complementation group D; AT, COMPLEMENTATION GROUP C. Identifiers: Orphanet 100, MedGen C0004135, MONDO:0008840, OMIM 208900.

Submission:

Labcorp Genetics (formerly Invitae), Labcorp
Classification: Uncertain significance for Ataxia-telangiectasia syndrome. Last evaluated: 2023-01-02. Review status: criteria provided, single submitter. Criteria: Invitae Variant Classification Sherloc (09022015). Collection method: clinical testing. Allele origin: germline.
Comment: Algorithms developed to predict the effect of missense changes on protein structure and function are either unavailable or do not agree on the potential impact of this missense change (SIFT: "Not Available"; PolyPhen-2: "Probably Damaging"; Align-GVGD: "Not Available"). This variant has not been reported in the literature in individuals affected with ATM-related conditions. Information on the frequency of this variant in the gnomAD database is not available, as this variant may be reported differently in the database. This sequence change replaces leucine, which is neutral and non-polar, with glutamine, which is neutral and polar, at codon 2073 of the ATM protein (p.Leu2073Gln). In summary, the available evidence is currently insufficient to determine the role of this variant in disease. Therefore, it has been classified as a Variant of Uncertain Significance.

NM_000051.4(ATM):c.6218_6219delinsAA (p.Leu2073Gln)

Genes: ATM (ATM serine/threonine kinase; plus strand), C11orf65 (chromosome 11 open reading frame 65; minus strand). Cytogenetic location: 11q22.3.
Variant type: Indel.
Coding change: c.6218_6219delinsAA on transcript NM_000051.4 (MANE Select); coding-DNA positions 6218 to 6219, TC replaced by AA.
Protein change: p.Leu2073Gln; replaces leucine 2073 with glutamine.
Molecular consequence: missense variant. On other transcripts: intron variant (2).
Genome position (GRCh38, 1-based): chr11:108,317,392-108,317,393, TC replaced by AA. VCF-style: chr11-108317392-TC-AA. GRCh37 (hg19) VCF-style: chr11-108188119-TC-AA.
Other names: c.6218_6219delinsAA, p.Leu2073Gln (NM_001351834.2); c.641-8322_641-8321delinsTT (NM_001330368.2); c.*39-8322_*39-8321delinsTT (NM_001351110.2); short protein forms L2073Q.
Identifiers: ClinVar variation 2825968 (VCV002825968.3), dbSNP rs2547113561, ClinGen allele CA2739266005.